The following is an entry in ClinVar:

ClinVar aggregate classification (germline): Uncertain significance. Review status: criteria provided, multiple submitters, no conflicts (2 of 4 stars). 2 submissions from 2 submitters: Uncertain significance (2). Last evaluated 2022-10-28.

Conditions:
Autosomal dominant Parkinson disease 8. Also called: Parkinson disease 8, susceptibility to; LRRK2-Related Parkinson Disease; Parkinson disease 8. Identifiers: Orphanet 411602, MedGen C1846862, MONDO:0011764, OMIM 607060.
Inborn genetic diseases. Identifiers: MedGen C0950123, MeSH D030342.

Allele frequency attached by ClinVar (database versions not stated): gnomAD exomes below 0.00001; ExAC 0.00001.
gnomAD v4.1: 1 of 1,613,904 alleles (0.000062%); highest among the groups gnomAD compares: Non-Finnish European, 0.000085%; no homozygotes.

Submissions (2):

Ambry Genetics
Classification: Uncertain significance for Inborn genetic diseases. Last evaluated: 2022-10-28. Review status: criteria provided, single submitter. Criteria: Ambry Variant Classification Scheme 2023. Collection method: clinical testing. Allele origin: germline.
Comment: The p.H365N variant (also known as c.1093C>A), located in coding exon 9 of the LRRK2 gene, results from a C to A substitution at nucleotide position 1093. The histidine at codon 365 is replaced by asparagine, an amino acid with similar properties. This amino acid position is conserved. In addition, this alteration is predicted to be tolerated by in silico analysis. Since supporting evidence is limited at this time, the clinical significance of this alteration remains unclear.

Labcorp Genetics (formerly Invitae), Labcorp
Classification: Uncertain significance for Autosomal dominant Parkinson disease 8. Last evaluated: 2018-06-20. Review status: criteria provided, single submitter. Criteria: Invitae Variant Classification Sherloc (09022015). Collection method: clinical testing. Allele origin: germline.
Comment: In summary, the available evidence is currently insufficient to determine the role of this variant in disease. Therefore, it has been classified as a Variant of Uncertain Significance. Algorithms developed to predict the effect of missense changes on protein structure and function (SIFT, PolyPhen-2, Align-GVGD) all suggest that this variant is likely to be tolerated, but these predictions have not been confirmed by published functional studies and their clinical significance is uncertain. This variant has not been reported in the literature in individuals with LRRK2-related disease. This variant is present in population databases (rs765509204, ExAC 0.002%). This sequence change replaces histidine with asparagine at codon 365 of the LRRK2 protein (p.His365Asn). The histidine residue is weakly conserved and there is a small physicochemical difference between histidine and asparagine.

NM_198578.4(LRRK2):c.1093C>A (p.His365Asn)

Gene: LRRK2 (leucine rich repeat kinase 2; plus strand). Cytogenetic location: 12q12.
Variant type: single nucleotide variant.
Coding change: c.1093C>A on transcript NM_198578.4 (MANE Select); coding-DNA position 1093, C replaced by A.
Protein change: p.His365Asn; replaces histidine 365 with asparagine.
Molecular consequence: missense variant.
Genome position (GRCh38, 1-based): chr12:40,251,366, C>A. VCF-style: chr12-40251366-C-A. GRCh37 (hg19) VCF-style: chr12-40645168-C-A.
Other names: short protein forms H365N.
Identifiers: ClinVar variation 580102 (VCV000580102.10), dbSNP rs765509204, ClinGen allele CA6513270.
Genomic context (GRCh38, chr12:40,251,366, plus strand): 5'-GATAAATTGTTTTGGCTGGAAGCCTGTTACAAAGCATTAACGTGGCATAGAAAGAACAAG[C>A]ACGTGCAGGTAGGACTCTCATAAATATTAGAGTTATTCAAAATTATGTTTTCCAGTCATT-3'
Protein context (NP_940980.4, residues 355-375): KALTWHRKNK[His365Asn]VQEAACWALN